The following is an entry in ClinVar:

ClinVar aggregate classification (germline): Uncertain significance. Review status: criteria provided, multiple submitters, no conflicts (2 of 4 stars). 3 submissions from 3 submitters: Uncertain significance (3). Last evaluated 2025-12-29.

Conditions:
Inborn genetic diseases. Identifiers: MedGen C0950123, MeSH D030342.
Mosaic variegated aneuploidy syndrome 2 (MVA2). Identifiers: Orphanet 1052, MedGen C3279843, MONDO:0013582, OMIM 614114.

Allele frequency attached by ClinVar (database versions not stated): TOPMed 0.00002; 1000 Genomes Project 30x 0.00016; 1000 Genomes Project 0.00020.
gnomAD v4.1: 17 of 1,611,880 alleles (0.0011%); highest among the groups gnomAD compares: Non-Finnish European, 0.0014%; no homozygotes.

Submissions (3):

Labcorp Genetics (formerly Invitae), Labcorp
Classification: Uncertain significance for Mosaic variegated aneuploidy syndrome 2. Last evaluated: 2025-12-29. Review status: criteria provided, single submitter. Criteria: Invitae Variant Classification Sherloc (09022015). Collection method: clinical testing. Allele origin: germline.
Comment: This sequence change replaces asparagine, which is neutral and polar, with lysine, which is basic and polar, at codon 241 of the CEP57 protein (p.Asn241Lys). This variant is present in population databases (rs76411609, gnomAD 0.004%). This variant has not been reported in the literature in individuals affected with CEP57-related conditions. ClinVar contains an entry for this variant (Variation ID: 861697). Invitae Evidence Modeling of protein sequence and biophysical properties (such as structural, functional, and spatial information, amino acid conservation, physicochemical variation, residue mobility, and thermodynamic stability) indicates that this missense variant is not expected to disrupt CEP57 protein function with a negative predictive value of 80%. In summary, the available evidence is currently insufficient to determine the role of this variant in disease. Therefore, it has been classified as a Variant of Uncertain Significance.

Ambry Genetics
Classification: Uncertain significance for Inborn genetic diseases. Last evaluated: 2025-03-08. Review status: criteria provided, single submitter. Criteria: Ambry Variant Classification Scheme 2023. Collection method: clinical testing. Allele origin: germline.

GeneDx
Classification: Uncertain significance. Last evaluated: 2019-10-11. Review status: criteria provided, single submitter. Criteria: GeneDx Variant Classification Process June 2021. Collection method: clinical testing. Allele origin: germline. Affected: yes.
Comment: Not observed at a significant frequency in large population cohorts (Lek et al., 2016); In silico analysis, which includes protein predictors and evolutionary conservation, supports a deleterious effect; Has not been previously published as pathogenic or benign to our knowledge

NM_014679.5(CEP57):c.723T>G (p.Asn241Lys)

Gene: CEP57 (centrosomal protein 57; plus strand). Cytogenetic location: 11q21.
Variant type: single nucleotide variant.
Coding change: c.723T>G on transcript NM_014679.5 (MANE Select); coding-DNA position 723, T replaced by G.
Protein change: p.Asn241Lys; replaces asparagine 241 with lysine.
Molecular consequence: missense variant.
Genome position (GRCh38, 1-based): chr11:95,821,894, T>G. VCF-style: chr11-95821894-T-G. GRCh37 (hg19) VCF-style: chr11-95555058-T-G.
Other names: c.696T>G, p.Asn232Lys (NM_001243776.2); c.723T>G, p.Asn241Lys (NM_001243777.2); c.642T>G, p.Asn214Lys (NM_001363604.2); short protein forms N214K, N241K, N232K.
Identifiers: ClinVar variation 861697 (VCV000861697.11), dbSNP rs76411609, ClinGen allele CA6239580.